The following is an entry in ClinVar:

ClinVar aggregate classification (germline): Conflicting classifications of pathogenicity. Review status: criteria provided, conflicting classifications (1 of 4 stars). 3 submissions from 2 submitters: Uncertain significance (2); Benign (1). Last evaluated 2017-04-27.

Conditions:
Wolfram syndrome 1 (WFS1). Identifiers: Orphanet 3463, MedGen C4551693, MONDO:0009101, OMIM 222300.
WFS1-Related Spectrum Disorders.
Autosomal dominant nonsyndromic hearing loss 6 (LFSNHL). Also called: DEAFNESS, AUTOSOMAL DOMINANT 6; DEAFNESS, AUTOSOMAL DOMINANT 14; DEAFNESS, AUTOSOMAL DOMINANT 38; Autosomal dominant nonsyndromic deafness 6; DIDMOAD (Diabetes Insipidus, Diabetes Mellitus, Optic Atrophy, and Deafness). Identifiers: Orphanet 90635, MedGen C1833021, MONDO:0010963, OMIM 600965.

Allele frequency attached by ClinVar (database versions not stated): gnomAD 0.00001; TOPMed 0.00001.
gnomAD v4.1: 7 of 1,612,062 alleles (0.00043%); highest among the groups gnomAD compares: Non-Finnish European, 0.00059%; no homozygotes.

Submissions (3):

Illumina Laboratory Services, Illumina
Classification: Uncertain significance for Autosomal dominant nonsyndromic hearing loss 6. Last evaluated: 2017-04-27. Review status: criteria provided, single submitter. Criteria: ICSL Variant Classification Criteria 13 December 2019. Collection method: clinical testing. Allele origin: germline.

Illumina Laboratory Services, Illumina
Classification: Uncertain significance for WFS1-Related Spectrum Disorders. Last evaluated: 2017-04-27. Review status: criteria provided, single submitter. Criteria: ICSL Variant Classification Criteria 13 December 2019. Collection method: clinical testing. Allele origin: germline.

Clinical Genomics, Uppaluri K&H Personalized Medicine Clinic
Classification: Benign for Wolfram syndrome 1. Review status: criteria provided, single submitter. Criteria: K & H Uppaluri Personalized Medicine Clinic Variant Classification & Assertion Criteria_Updated V.1. Collection method: research. Allele origin: unknown. Inheritance: Autosomal recessive inheritance.
Comment: Potent mutations in WFS1 gene are associated with Wolfram's syndrome, an autosomal recessive condition, which cause diabetes mellitus, diabetes insipidus, deafness and optic atrophy.However no sufficient evidence is found to ascertain the role of this particular variant rs919707549 in Wolfram's syndrome yet.

Literature cited by the submitters: PubMed 20738327 (cited by Clinical Genomics, Uppaluri K&H Personalized Medicine Clinic); PubMed 33879153 (cited by Clinical Genomics, Uppaluri K&H Personalized Medicine Clinic); PubMed 12955714 (cited by Clinical Genomics, Uppaluri K&H Personalized Medicine Clinic); PubMed 18060660 (cited by Clinical Genomics, Uppaluri K&H Personalized Medicine Clinic); PubMed 20301750 (cited by Clinical Genomics, Uppaluri K&H Personalized Medicine Clinic); PubMed 17603484 (cited by Clinical Genomics, Uppaluri K&H Personalized Medicine Clinic).

NM_006005.3(WFS1):c.*11C>G

Gene: WFS1 (wolframin ER transmembrane glycoprotein; plus strand). Cytogenetic location: 4p16.1.
Variant type: single nucleotide variant.
Coding change: c.*11C>G on transcript NM_006005.3 (MANE Select); 11 bases downstream of the stop codon, C replaced by G.
Molecular consequence: 3 prime UTR variant.
Genome position (GRCh38, 1-based): chr4:6,302,479, C>G. VCF-style: chr4-6302479-C-G. GRCh37 (hg19) VCF-style: chr4-6304206-C-G.
Other names: c.*11C>G (NM_001145853.1).
Identifiers: ClinVar variation 907827 (VCV000907827.4), dbSNP rs919707549, ClinGen allele CA91797957.
Genomic context (GRCh38, chr4:6,302,479, plus strand): 5'-TGAAGTTCGCCTTCGACTTCTTTTTCTTCCCATTCCTGTCGGCGGCCTGAGGATGGTCCG[C>G]CACGAGGAGCTTCCAGTGCATGTTGCCATGAGGCCTTTCCCCAGTGTGGCCCCAGCCCGA-3'